The following is an entry in ClinVar:

NM_182961.4(SYNE1):c.7550T>A (p.Leu2517His)

Gene: SYNE1 (spectrin repeat containing nuclear envelope protein 1; minus strand). Cytogenetic location: 6q25.2.
Variant type: single nucleotide variant.
Coding change: c.7550T>A on transcript NM_182961.4 (MANE Select); coding-DNA position 7550, T replaced by A.
Protein change: p.Leu2517His; replaces leucine 2517 with histidine.
Molecular consequence: missense variant.
Genome position (GRCh38, 1-based): chr6:152,396,781, A>T on the plus strand (T>A on the coding strand, the complement: SYNE1 is on the minus strand). VCF-style: chr6-152396781-A-T. GRCh37 (hg19) VCF-style: chr6-152717916-A-T.
Other names: c.7571T>A, p.Leu2524His (NM_033071.5); short protein forms L2517H, L2524H.
Identifiers: ClinVar variation 2056707 (VCV002056707.5), dbSNP rs915389374, ClinGen allele CA150194774.
Genomic context (GRCh38, chr6:152,396,781, plus strand): 5'-CTTTAAAAACACACTTGGTGTATGATGAAATCTATGTTTGTTAAACTAACCTACCTTCCA[A>T]GTTCTGAAGCACAGTCTTGAAGAGCCTGCTTATCTTTAAGGCATTGTTTCAGAAATGCTT-3'
Protein context (NP_892006.3, residues 2507-2527): KQALQDCASE[Leu2517His]GSFEDQHRKL

ClinVar aggregate classification (germline): Uncertain significance. Review status: criteria provided, multiple submitters, no conflicts (2 of 4 stars). 2 submissions from 2 submitters: Uncertain significance (2). Last evaluated 2024-02-29.

Conditions:
Emery-Dreifuss muscular dystrophy 4, autosomal dominant (EDMD4). Also called: EMERY-DREIFUSS MUSCULAR DYSTROPHY 4 WITH VARIABLE FEATURES. Identifiers: Orphanet 261, MedGen C2751807, MONDO:0013071, OMIM 612998.
Autosomal recessive ataxia, Beauce type. Also called: SYNE1 Deficiency; Spinocerebellar ataxia, autosomal recessive 8; ATAXIA, RECESSIVE, OF BEAUCE; SYNE1-Related Autosomal Recessive Cerebellar Ataxia. Identifiers: Orphanet 88644, MedGen C1853116, MONDO:0012549, OMIM 610743.

Submissions (2):

Revvity Omics, Revvity
Classification: Uncertain significance. Last evaluated: 2024-02-29. Review status: criteria provided, single submitter. Criteria: ACMG Guidelines, 2015. Collection method: clinical testing. Allele origin: germline.

Labcorp Genetics (formerly Invitae), Labcorp
Classification: Uncertain significance for Emery-Dreifuss muscular dystrophy 4, autosomal dominant; Autosomal recessive ataxia, Beauce type. Last evaluated: 2022-05-13. Review status: criteria provided, single submitter. Criteria: Invitae Variant Classification Sherloc (09022015). Collection method: clinical testing. Allele origin: germline.
Comment: This sequence change replaces leucine, which is neutral and non-polar, with histidine, which is basic and polar, at codon 2524 of the SYNE1 protein (p.Leu2524His). This variant is not present in population databases (gnomAD no frequency). This variant has not been reported in the literature in individuals affected with SYNE1-related conditions. Algorithms developed to predict the effect of missense changes on protein structure and function (SIFT, PolyPhen-2, Align-GVGD) all suggest that this variant is likely to be disruptive. In summary, the available evidence is currently insufficient to determine the role of this variant in disease. Therefore, it has been classified as a Variant of Uncertain Significance.